The following is an entry in ClinVar:

ClinVar aggregate classification (germline): Uncertain significance. Review status: criteria provided, multiple submitters, no conflicts (2 of 4 stars). 4 submissions from 3 submitters: Uncertain significance (4). Last evaluated 2021-12-21.

Conditions:
Maturity-onset diabetes of the young (MODY). Also called: Maturity onset diabetes mellitus in young. Identifiers: Orphanet 552, MedGen C0342276, MONDO:0018911, HP:0004904.
Leucine-induced hypoglycemia (LIH). Also called: LEUCINE-SENSITIVE HYPOGLYCEMIA OF INFANCY. Identifiers: MedGen C0271714, MONDO:0009415, OMIM 240800.
Diabetes mellitus, permanent neonatal 3. Also called: ABCC8-Related Permanent Neonatal Diabetes Mellitus. Identifiers: MedGen C5394303, MONDO:0030088, OMIM 618857.
Diabetes mellitus, transient neonatal, 2 (TNDM2). Identifiers: Orphanet 99886, MedGen C1835887, MONDO:0012480, OMIM 610374. Disease mechanism: loss of function.
Hyperinsulinemic hypoglycemia, familial, 1 (HHF1). Also called: HYPERINSULINISM, FAMILIAL, WITH PANCREATIC NESIDIOBLASTOSIS; HYPOGLYCEMIA, HYPERINSULINEMIC, OF INFANCY; NESIDIOBLASTOSIS OF PANCREAS; Persistent hyperinsulinemic hypoglycemia of infancy; Persistent Hyperinsulinemia Hypoglycemia of Infancy. Identifiers: Orphanet 276575, Orphanet 276598, MedGen C2931832, MONDO:0009734, OMIM 256450.
Type 2 diabetes mellitus. Also called: Type II diabetes mellitus. Identifiers: MedGen C0011860, MeSH D003924, MONDO:0005148, OMIM 125853, HP:0005978.
Transitory neonatal diabetes mellitus. Also called: Transient neonatal diabetes mellitus. Identifiers: MedGen C0342273, MONDO:0020525, HP:0008255.
Monogenic diabetes. Identifiers: Orphanet 183625, MedGen C3888631, MONDO:0015967.

Allele frequency attached by ClinVar (database versions not stated): gnomAD exomes below 0.00001; TOPMed below 0.00001; ExAC 0.00001; gnomAD 0.00001.
gnomAD v4.1: 3 of 1,611,668 alleles (0.00019%); highest among the groups gnomAD compares: East Asian, 0.0022%; no homozygotes.

Submissions (4):

Fulgent Genetics
Classification: Uncertain significance for Type 2 diabetes mellitus; Leucine-induced hypoglycemia; Hyperinsulinemic hypoglycemia, familial, 1; Diabetes mellitus, transient neonatal, 2; Diabetes mellitus, permanent neonatal 3. Last evaluated: 2021-12-21. Review status: criteria provided, single submitter. Criteria: ACMG Guidelines, 2015. Collection method: clinical testing. Allele origin: unknown.

Personalized Diabetes Medicine Program, University of Maryland School of Medicine
Classification: Uncertain significance for Monogenic diabetes. Last evaluated: 2016-08-16. Review status: criteria provided, single submitter. Criteria: ACMG Guidelines, 2015. Collection method: research. Allele origin: unknown. Observed: 1 variant allele, 1 heterozygote.
Comment: ACMG Criteria: PP3, BP4

Clinical Genomics, Uppaluri K&H Personalized Medicine Clinic
Classification: Uncertain significance for Transitory neonatal diabetes mellitus. Review status: criteria provided, single submitter. Criteria: K & H Uppaluri Personalized Medicine Clinic Variant Classification & Assertion Criteria_Updated V.1. Collection method: research. Allele origin: somatic. Inheritance: Somatic mutation.
Comment: Mutations in ABCC8 gene are associated with both neonatal diabetes mellitus as well as MODY. Patients with this mutation may have a better response to sulfonylureas. However, no sufficient evidence is found to ascertain the role of this particular variant (rs763104338) in neonatal diabetes yet.

Clinical Genomics, Uppaluri K&H Personalized Medicine Clinic
Classification: Uncertain significance for Maturity-onset diabetes of the young. Review status: criteria provided, single submitter. Criteria: K & H Uppaluri Personalized Medicine Clinic Variant Classification & Assertion Criteria_Updated V.1. Collection method: research. Allele origin: somatic. Inheritance: Somatic mutation.
Comment: Mutations in ABCC8 gene are associated with both neonatal diabetes mellitus as well as MODY. Patients with this mutation may have a better response to sulfonylureas. However, no sufficient evidence is found to ascertain the role of this particular variant (rs763104338) in MODY yet.

Literature cited by the submitters: PubMed 16885549 (cited by Clinical Genomics, Uppaluri K&H Personalized Medicine Clinic); PubMed 21989597 (cited by Clinical Genomics, Uppaluri K&H Personalized Medicine Clinic); PubMed 27538677 (cited by Clinical Genomics, Uppaluri K&H Personalized Medicine Clinic); PubMed 18981553 (cited by Clinical Genomics, Uppaluri K&H Personalized Medicine Clinic); PubMed 32027066 (cited by Clinical Genomics, Uppaluri K&H Personalized Medicine Clinic); PubMed 16613899 (cited by Clinical Genomics, Uppaluri K&H Personalized Medicine Clinic); PubMed 18025408 (cited by Clinical Genomics, Uppaluri K&H Personalized Medicine Clinic); PubMed 32792356 (cited by Clinical Genomics, Uppaluri K&H Personalized Medicine Clinic).

NM_000352.6(ABCC8):c.3875A>G (p.Asn1292Ser)

Gene: ABCC8 (ATP binding cassette subfamily C member 8; minus strand). Cytogenetic location: 11p15.1.
Variant type: single nucleotide variant.
Coding change: c.3875A>G on transcript NM_000352.6 (MANE Select); coding-DNA position 3875, A replaced by G.
Protein change: p.Asn1292Ser; replaces asparagine 1292 with serine.
Molecular consequence: missense variant. On other transcripts: non-coding transcript variant (1).
Genome position (GRCh38, 1-based): chr11:17,397,306, T>C on the plus strand (A>G on the coding strand, the complement: ABCC8 is on the minus strand). VCF-style: chr11-17397306-T-C. GRCh37 (hg19) VCF-style: chr11-17418853-T-C.
Other names: c.3878A>G, p.Asn1293Ser (NM_001287174.3); c.3941A>G, p.Asn1314Ser (NM_001351295.2); c.3875A>G, p.Asn1292Ser (NM_001351296.2); c.3872A>G, p.Asn1291Ser (NM_001351297.2); short protein forms N1292S, N1293S, N1291S, N1314S.
Identifiers: ClinVar variation 393428 (VCV000393428.3), dbSNP rs763104338, ClinGen allele CA5902655.